The following is an entry in ClinVar:

ClinVar aggregate classification (germline): Uncertain significance (1 of 4 stars; one submission).

Conditions:
Multiple congenital anomalies-hypotonia-seizures syndrome 1 (MCAHS1). Also called: GLYCOSYLPHOSPHATIDYLINOSITOL BIOSYNTHESIS DEFECT 3; PIGN-CDG; Congenital disorder of glycosylation due to PIGN deficiency. Identifiers: Orphanet 280633, MedGen C3279775, MONDO:0013563, OMIM 614080.

Submission:

Labcorp Genetics (formerly Invitae), Labcorp
Classification: Uncertain significance for Multiple congenital anomalies-hypotonia-seizures syndrome 1. Last evaluated: 2023-05-22. Review status: criteria provided, single submitter. Criteria: Invitae Variant Classification Sherloc (09022015). Collection method: clinical testing. Allele origin: germline.
Comment: This sequence change replaces serine with cysteine at codon 26 of the PIGN protein (p.Ser26Cys). The serine residue is highly conserved and there is a moderate physicochemical difference between serine and cysteine. This variant is not present in population databases (gnomAD no frequency). This variant has not been reported in the literature in individuals affected with PIGN-related conditions. ClinVar contains an entry for this variant (Variation ID: 1401752). Advanced modeling of protein sequence and biophysical properties (such as structural, functional, and spatial information, amino acid conservation, physicochemical variation, residue mobility, and thermodynamic stability) performed at Invitae indicates that this missense variant is expected to disrupt PIGN protein function. In summary, the available evidence is currently insufficient to determine the role of this variant in disease. Therefore, it has been classified as a Variant of Uncertain Significance.

NM_176787.5(PIGN):c.77C>G (p.Ser26Cys)

Gene: PIGN (phosphatidylinositol glycan anchor biosynthesis class N; minus strand). Cytogenetic location: 18q21.33.
Variant type: single nucleotide variant.
Coding change: c.77C>G on transcript NM_176787.5 (MANE Select); coding-DNA position 77, C replaced by G.
Protein change: p.Ser26Cys; replaces serine 26 with cysteine.
Molecular consequence: missense variant.
Genome position (GRCh38, 1-based): chr18:62,161,277, G>C on the plus strand (C>G on the coding strand, the complement: PIGN is on the minus strand). VCF-style: chr18-62161277-G-C. GRCh37 (hg19) VCF-style: chr18-59828510-G-C.
Other names: c.77C>G, p.Ser26Cys (NM_012327.6); short protein forms S26C.
Identifiers: ClinVar variation 1401752 (VCV001401752.6), dbSNP rs2036943552, ClinGen allele CA402604694.